The following is an entry in ClinVar:

ClinVar aggregate classification (germline): Pathogenic/Likely pathogenic. Review status: criteria provided, multiple submitters, no conflicts (2 of 4 stars). 4 submissions from 4 submitters: Pathogenic (1); Likely pathogenic (3). Last evaluated 2025-10-22.

Conditions:
Galactosylceramide beta-galactosidase deficiency. Also called: GALACTOCEREBROSIDASE DEFICIENCY; GALC DEFICIENCY; GLOBOID CELL LEUKOENCEPHALOPATHY; Leukodystrophy, Globoid Cell; Krabbe Disease. Identifiers: Orphanet 487, MedGen C0023521, MONDO:0009499, OMIM 245200.

gnomAD v4.1: 2 of 1,613,386 alleles (0.00012%); highest among the groups gnomAD compares: Admixed American, 0.0033%; no homozygotes.

Submissions (4):

Natera, Inc.
Classification: Likely pathogenic for Galactosylceramide beta-galactosidase deficiency. Last evaluated: 2025-10-22. Review status: criteria provided, single submitter. Criteria: Natera Variant Classification Schema (03/2026). Collection method: clinical testing. Allele origin: germline.
Comment: The c.967G>T variant in GALC is a missense variant predicted to cause substitution of glycine to tryptophan at amino acid 323. This variant is rare in the general population with a frequency below the threshold expected for the associated phenotype(s). This variant has been observed in one or more individuals affected with the associated recessive disease, as either homozygous or compound heterozygous with a second variant (PMID: 30777126). A different variant at the same position has been determined to be Pathogenic or Likely Pathogenic. Computational prediction algorithms indicate this variant is likely to affect gene or protein function. Given the available evidence, this variant is classified as Likely Pathogenic.

Myriad Genetics, Inc.
Classification: Likely pathogenic for Galactosylceramide beta-galactosidase deficiency. Last evaluated: 2025-10-14. Review status: criteria provided, single submitter. Criteria: Myriad Autosomal Dominant, Autosomal Recessive and X-Linked Classification Criteria (2023). Collection method: clinical testing. Allele origin: unknown.
Comment: NM_000153.3(GALC):c.967G>T(G323W) is a missense variant classified as likely pathogenic in the context of Krabbe disease. G323W has been observed in a case with relevant disease (PMID: 30777126). Relevant functional assessments of this variant are not available in the literature. Internal structural analysis of the variant is supportive of pathogenicity. G323W has been observed in referenced population frequency databases. In summary, NM_000153.3(GALC):c.967G>T(G323W) is a missense variant that has internal structural support for pathogenicity and has been observed more frequently in cases with the relevant disease than in healthy populations. Please note: this variant was assessed in the context of healthy population screening.

Women's Health and Genetics/Laboratory Corporation of America, LabCorp
Classification: Likely pathogenic for Galactosylceramide beta-galactosidase deficiency. Last evaluated: 2025-09-25. Review status: criteria provided, single submitter. Criteria: LabCorp Variant Classification Summary - May 2015. Collection method: clinical testing. Allele origin: germline.
Comment: Variant summary: GALC c.967G>T (p.Gly323Trp) results in a non-conservative amino acid change located in the Glycosyl hydrolase family 59, catalytic domain (IPR049161) of the encoded protein sequence. Algorithms developed to predict the effect of missense changes on protein structure and function all suggest that this variant is likely to be disruptive. The variant allele was found at a frequency of 4e-06 in 249020 control chromosomes (gnomAD). c.967G>T has been observed in a compound heterozygous individual affected with Krabbe Disease (Beltran-Quintero_2019). These data do not allow any conclusion about variant significance. A different variant affecting the same codon has been has been determined to be pathogenic (c.967G>A, p.Gly323Arg), supporting the critical relevance of codon 323 to GALC protein function. To our knowledge, no experimental evidence demonstrating an impact on protein function has been reported. The following publication have been ascertained in the context of this evaluation (PMID: 30777126). ClinVar contains an entry for this variant (Variation ID: 1374650). Based on the evidence outlined above, the variant was classified as likely pathogenic.

Labcorp Genetics (formerly Invitae), Labcorp
Classification: Pathogenic for Galactosylceramide beta-galactosidase deficiency. Last evaluated: 2021-09-29. Review status: criteria provided, single submitter. Criteria: Invitae Variant Classification Sherloc (09022015). Collection method: clinical testing. Allele origin: germline.
Comment: For these reasons, this variant has been classified as Pathogenic. This variant disrupts the p.Gly323 amino acid residue in GALC. Other variant(s) that disrupt this residue have been determined to be pathogenic (PMID: 20886637, 27638593). This suggests that this residue is clinically significant, and that variants that disrupt this residue are likely to be disease-causing. Advanced modeling of protein sequence and biophysical properties (such as structural, functional, and spatial information, amino acid conservation, physicochemical variation, residue mobility, and thermodynamic stability) performed at Invitae indicates that this missense variant is expected to disrupt GALC protein function. This missense change has been observed in individual(s) with Krabbe disease (PMID: 30777126). This variant is not present in population databases (ExAC no frequency). This sequence change replaces glycine with tryptophan at codon 323 of the GALC protein (p.Gly323Trp). The glycine residue is highly conserved and there is a large physicochemical difference between glycine and tryptophan.

Literature cited by the submitters: PubMed 30777126 (cited by 4 submitters); PubMed 20886637 (cited by Labcorp Genetics (formerly Invitae), Labcorp); PubMed 27638593 (cited by Labcorp Genetics (formerly Invitae), Labcorp).

NM_000153.4(GALC):c.967G>T (p.Gly323Trp)

Gene: GALC (galactosylceramidase; minus strand). Cytogenetic location: 14q31.3.
Variant type: single nucleotide variant.
Coding change: c.967G>T on transcript NM_000153.4 (MANE Select); coding-DNA position 967, G replaced by T.
Protein change: p.Gly323Trp; replaces glycine 323 with tryptophan.
Molecular consequence: missense variant.
Genome position (GRCh38, 1-based): chr14:87,965,571, C>A on the plus strand (G>T on the coding strand, the complement: GALC is on the minus strand). VCF-style: chr14-87965571-C-A. GRCh37 (hg19) VCF-style: chr14-88431915-C-A.
Other names: c.898G>T, p.Gly300Trp (NM_001201401.2); c.889G>T, p.Gly297Trp (NM_001201402.2); c.967G>T (NM_000153.3); short protein forms G297W, G300W, G323W.
Identifiers: ClinVar variation 1374650 (VCV001374650.11), dbSNP rs1472207768, ClinGen allele CA390747541.